The following is an entry in ClinVar:

NM_021728.4(OTX2):c.211C>A (p.Pro71Thr)

Gene: OTX2 (orthodenticle homeobox 2; minus strand). Cytogenetic location: 14q22.3.
Variant type: single nucleotide variant.
Coding change: c.211C>A on transcript NM_021728.4 (MANE Select); coding-DNA position 211, C replaced by A.
Protein change: p.Pro71Thr; replaces proline 71 with threonine.
Molecular consequence: missense variant.
Genome position (GRCh38, 1-based): chr14:56,804,250, G>T on the plus strand (C>A on the coding strand, the complement: OTX2 is on the minus strand). VCF-style: chr14-56804250-G-T. GRCh37 (hg19) VCF-style: chr14-57270968-G-T.
Other names: c.187C>A, p.Pro63Thr (NM_001270523.2, NM_001270524.2, NM_172337.3); c.211C>A, p.Pro71Thr (NM_001270525.2); short protein forms P63T, P71T.
Identifiers: ClinVar variation 422485 (VCV000422485.2), dbSNP rs1064795810, ClinGen allele CA16619876.

ClinVar aggregate classification (germline): Likely pathogenic (1 of 4 stars; one submission).

Submission:

GeneDx
Classification: Likely pathogenic. Last evaluated: 2016-10-18. Review status: criteria provided, single submitter. Criteria: GeneDx Variant Classification (06012015). Collection method: clinical testing. Allele origin: germline. Affected: yes.
Comment: The P71T variant in the OTX2 gene has not been reported previously as a pathogenic variant, nor as a benign variant, to our knowledge. The P71T variant was not observed in approximately 6500 individuals of European and African American ancestry in the NHLBI Exome Sequencing Project, indicating it is not a common benign variant in these populations. The P71T variant is a non-conservative amino acid substitution, which is likely to impact secondary protein structure as these residues differ in polarity, charge, size and/or other properties. This substitution occurs at a position that is conserved across species. In silico analysis predicts this variant is probably damaging to the protein structure/function. The P71T variant is a strong candidate for a pathogenic variant.